The following is an entry in ClinVar:

ClinVar aggregate classification (germline): Likely pathogenic (1 of 4 stars; one submission).

Conditions:
Neuronal ceroid lipofuscinosis 2. Also called: TPP1-Related Neuronal Ceroid-Lipofuscinosis; JANSKY-BIELSCHOWSKY DISEASE NEURONAL CEROID LIPOFUSCINOSIS, LATE INFANTILE. Identifiers: Orphanet 168491, Orphanet 228349, Orphanet 79264, MedGen C1876161, MONDO:0008769, OMIM 204500.

Submission:

Myriad Genetics, Inc.
Classification: Likely pathogenic for Neuronal ceroid lipofuscinosis 2. Last evaluated: 2021-12-17. Review status: criteria provided, single submitter. Criteria: Myriad Women's Health Autosomal Recessive and X-Linked Classification Criteria (2021). Collection method: clinical testing. Allele origin: unknown.
Comment: NM_000391.3(TPP1):c.636_638delCTCinsA(S213Tfs*10) is expected to be pathogenic in the context of TPP1-related neuronal ceroid lipofuscinosis. This variant is predicted to lead to an abnormal or absent protein product due to the creation of a premature termination codon in TPP1, a gene where loss-of-function variants are known to be pathogenic. Please note: this variant was assessed in the context of healthy population screening.

NM_000391.4(TPP1):c.636_638delinsA (p.Ser213fs)

Gene: TPP1 (tripeptidyl peptidase 1; minus strand). Cytogenetic location: 11p15.4.
Variant type: Indel.
Coding change: c.636_638delinsA on transcript NM_000391.4 (MANE Select); coding-DNA positions 636 to 638, CTC replaced by A.
Protein change: p.Ser213fs; shifts the reading frame from serine 213.
Molecular consequence: frameshift variant.
Genome position (GRCh38, 1-based): chr11:6,617,024-6,617,026, GAG replaced by T on the plus strand (CTC replaced by A on the coding strand, the reverse complement: TPP1 is on the minus strand). VCF-style: chr11-6617024-GAG-T. GRCh37 (hg19) VCF-style: chr11-6638255-GAG-T.
Other names: short protein forms S213fs.
Identifiers: ClinVar variation 1726424 (VCV001726424.2), dbSNP rs2493799334, ClinGen allele CA2580084011.
Genomic context (GRCh38, chr11:6,617,024, plus strand): 5'-GCTTGGCTCACCTGGGCACAGGCTTGGCTGTTATTGCTGGTGCCAGAGCCCACGTCTTGT[GAG>T]GTCAAGTTGTATCGCTTACGGATCACAGAGGGGGTTACCCCCAGATGCAGGCCTACAGTC-3'